The following is an entry in ClinVar:

NM_016169.4(SUFU):c.1157+6C>T

Gene: SUFU (SUFU negative regulator of hedgehog signaling; plus strand). Cytogenetic location: 10q24.32.
Variant type: single nucleotide variant.
Coding change: c.1157+6C>T on transcript NM_016169.4 (MANE Select); 6 bases into the intron after coding-DNA position 1157, C replaced by T.
Molecular consequence: intron variant.
Genome position (GRCh38, 1-based): chr10:102,615,408, C>T. VCF-style: chr10-102615408-C-T. GRCh37 (hg19) VCF-style: chr10-104375165-C-T.
Other names: c.1157+6C>T (NM_001178133.2).
Identifiers: ClinVar variation 510546 (VCV000510546.9), dbSNP rs535323089, ClinGen allele CA5667880.
Genomic context (GRCh38, chr10:102,615,408, plus strand): 5'-GCGTACATCTGAAATTCAACCAGGAGTCCGGAGCCCTCATTCCTCTCTGCCTAAGGTGAG[C>T]GAGACAGCCCTGCCACACAGTTTACCCCACAGCACCCAGCTCAGCCTCCAGGGGGCACTT-3'

ClinVar aggregate classification (germline): Likely benign. Review status: criteria provided, multiple submitters, no conflicts (2 of 4 stars). 2 submissions from 2 submitters: Likely benign (2). Last evaluated 2026-01-11.

Conditions:
Gorlin syndrome. Also called: Nevoid Basal Cell Carcinoma Syndrome; Basal cell nevus syndrome. Identifiers: Orphanet 377, MedGen C0004779, MONDO:0007187.
Medulloblastoma (MDB). Also called: MEDULLOBLASTOMA PREDISPOSITION SYNDROME; Medulloblastoma, somatic. Identifiers: Orphanet 616, MedGen C0025149, MeSH D008527, MONDO:0007959, OMIM 155255, HP:0002885.

Allele frequency attached by ClinVar (database versions not stated): gnomAD 0.00001 and 0.00002; gnomAD exomes 0.00001 and 0.00003; TOPMed 0.00002; ExAC 0.00003; 1000 Genomes Project 30x 0.00016; 1000 Genomes Project 0.00020.
gnomAD v4.1: 14 of 1,613,932 alleles (0.00087%); highest among the groups gnomAD compares: East Asian, 0.022%; no homozygotes.

Submissions (2):

Labcorp Genetics (formerly Invitae), Labcorp
Classification: Likely benign for Gorlin syndrome; Medulloblastoma. Last evaluated: 2026-01-11. Review status: criteria provided, single submitter. Criteria: Invitae Variant Classification Sherloc (09022015). Collection method: clinical testing. Allele origin: germline.

GeneDx
Classification: Likely benign. Last evaluated: 2017-07-03. Review status: criteria provided, single submitter. Criteria: GeneDx Variant Classification (06012015). Collection method: clinical testing. Allele origin: germline. Affected: yes.
Comment: This variant is considered likely benign or benign based on one or more of the following criteria: it is a conservative change, it occurs at a poorly conserved position in the protein, it is predicted to be benign by multiple in silico algorithms, and/or has population frequency not consistent with disease.